The following is an entry in ClinVar:

NM_003743.5(NCOA1):c.3648G>A (p.Gln1216=)

Gene: NCOA1 (nuclear receptor coactivator 1; plus strand). Cytogenetic location: 2p23.3.
Variant type: single nucleotide variant.
Coding change: c.3648G>A on transcript NM_003743.5 (MANE Select); coding-DNA position 3648, G replaced by A.
Protein change: p.Gln1216=; no amino-acid change (glutamine 1216 retained).
Molecular consequence: synonymous variant.
Genome position (GRCh38, 1-based): chr2:24,742,128, G>A. VCF-style: chr2-24742128-G-A. GRCh37 (hg19) VCF-style: chr2-24964997-G-A.
Other names: c.3648G>A, p.Gln1216= (NM_001362950.1, NM_001362952.1, NM_001362954.1 and 3 more transcripts).
Identifiers: ClinVar variation 4999714 (VCV004999714.1).

ClinVar aggregate classification (germline): Likely benign (1 of 4 stars; one submission).

Conditions:
NCOA1-related disorder. Also called: NCOA1-related condition.

Submission:

PreventionGenetics, part of Exact Sciences
Classification: Likely benign for NCOA1-related condition. Last evaluated: 2024-11-14. Review status: criteria provided, single submitter. Criteria: ACMG Guidelines, 2015. Collection method: clinical testing. Allele origin: germline.
Comment: This variant is classified as likely benign based on ACMG/AMP sequence variant interpretation guidelines (Richards et al. 2015 PMID: 25741868, with internal and published modifications).